The following is an entry in ClinVar:

NM_199420.4(POLQ):c.3520C>G (p.Gln1174Glu)

Gene: POLQ (DNA polymerase theta; minus strand). Cytogenetic location: 3q13.33.
Variant type: single nucleotide variant.
Coding change: c.3520C>G on transcript NM_199420.4 (MANE Select); coding-DNA position 3520, C replaced by G.
Protein change: p.Gln1174Glu; replaces glutamine 1174 with glutamic acid.
Molecular consequence: missense variant.
Genome position (GRCh38, 1-based): chr3:121,489,411, G>C on the plus strand (C>G on the coding strand, the complement: POLQ is on the minus strand). VCF-style: chr3-121489411-G-C. GRCh37 (hg19) VCF-style: chr3-121208258-G-C.
Other names: short protein forms Q1174E.
Identifiers: ClinVar variation 3308553 (VCV003308553.1).

ClinVar aggregate classification (germline): Uncertain significance (1 of 4 stars; one submission).

Submission:

Ambry Genetics
Classification: Uncertain significance. Last evaluated: 2024-04-12. Review status: criteria provided, single submitter. Criteria: Ambry Variant Classification Scheme 2023. Collection method: clinical testing. Allele origin: germline.
Comment: The p.Q1174E variant (also known as c.3520C>G), located in coding exon 16 of the POLQ gene, results from a C to G substitution at nucleotide position 3520. The glutamine at codon 1174 is replaced by glutamic acid, an amino acid with highly similar properties. This amino acid position is conserved. In addition, this alteration is predicted to be tolerated by in silico analysis. Based on the available evidence, the clinical significance of this variant remains unclear.